The following is an entry in ClinVar:

NM_012073.5(CCT5):c.1391A>G (p.Glu464Gly)

Gene: CCT5 (chaperonin containing TCP1 subunit 5; plus strand). Cytogenetic location: 5p15.2.
Variant type: single nucleotide variant.
Coding change: c.1391A>G on transcript NM_012073.5 (MANE Select); coding-DNA position 1391, A replaced by G.
Protein change: p.Glu464Gly; replaces glutamic acid 464 with glycine.
Molecular consequence: missense variant.
Genome position (GRCh38, 1-based): chr5:10,263,207, A>G. VCF-style: chr5-10263207-A-G. GRCh37 (hg19) VCF-style: chr5-10263319-A-G.
Other names: c.1328A>G, p.Glu443Gly (NM_001306153.1); c.1226A>G, p.Glu409Gly (NM_001306154.2); c.1112A>G, p.Glu371Gly (NM_001306155.2); c.1277A>G, p.Glu426Gly (NM_001306156.2); c.1391A>G (NM_012073.3); short protein forms E371G, E426G, E464G, E443G, E409G.
Identifiers: ClinVar variation 1445881 (VCV001445881.9), dbSNP rs770386557, ClinGen allele CA3198361.
Genomic context (GRCh38, chr5:10,263,207, plus strand): 5'-AACAGTATGCCATGAGAGCGTTTGCCGACGCACTGGAGGTCATCCCCATGGCCCTCTCTG[A>G]AAACAGTGGCATGAATCCCATCCAGACTATGACCGAAGTCCGAGCCAGACAGGTGAAGGA-3'
Protein context (NP_036205.1, residues 454-474): ALEVIPMALS[Glu464Gly]NSGMNPIQTM

ClinVar aggregate classification (germline): Uncertain significance. Review status: criteria provided, multiple submitters, no conflicts (2 of 4 stars). 2 submissions from 2 submitters: Uncertain significance (2). Last evaluated 2025-04-17.

Conditions:
Hereditary sensory and autonomic neuropathy with spastic paraplegia (HSNSP). Identifiers: Orphanet 139578, MedGen C1850395, MONDO:0009748, OMIM 256840.

Allele frequency attached by ClinVar (database versions not stated): gnomAD exomes 0.00001 and 0.00005; gnomAD 0.00002; ExAC 0.00004; TOPMed 0.00005.

Submissions (2):

Ambry Genetics
Classification: Uncertain significance. Last evaluated: 2025-04-17. Review status: criteria provided, single submitter. Criteria: Ambry Variant Classification Scheme 2023. Collection method: clinical testing. Allele origin: germline.

Labcorp Genetics (formerly Invitae), Labcorp
Classification: Uncertain significance for Hereditary sensory and autonomic neuropathy with spastic paraplegia. Last evaluated: 2023-12-31. Review status: criteria provided, single submitter. Criteria: Invitae Variant Classification Sherloc (09022015). Collection method: clinical testing. Allele origin: germline.
Comment: This sequence change replaces glutamic acid, which is acidic and polar, with glycine, which is neutral and non-polar, at codon 464 of the CCT5 protein (p.Glu464Gly). This variant is present in population databases (rs770386557, gnomAD 0.04%). This variant has not been reported in the literature in individuals affected with CCT5-related conditions. ClinVar contains an entry for this variant (Variation ID: 1445881). Advanced modeling of protein sequence and biophysical properties (such as structural, functional, and spatial information, amino acid conservation, physicochemical variation, residue mobility, and thermodynamic stability) performed at Invitae indicates that this missense variant is not expected to disrupt CCT5 protein function with a negative predictive value of 80%. In summary, the available evidence is currently insufficient to determine the role of this variant in disease. Therefore, it has been classified as a Variant of Uncertain Significance.